The following is an entry in ClinVar:

NM_000455.5(STK11):c.*17-13T>A

Gene: STK11 (serine/threonine kinase 11; plus strand). Cytogenetic location: 19p13.3.
Variant type: single nucleotide variant.
Coding change: c.*17-13T>A on transcript NM_000455.5 (MANE Select); 13 bases into the intron before 17 bases downstream of the stop codon, T replaced by A.
Molecular consequence: intron variant.
Genome position (GRCh38, 1-based): chr19:1,227,580, T>A. VCF-style: chr19-1227580-T-A. GRCh37 (hg19) VCF-style: chr19-1227579-T-A.
Identifiers: ClinVar variation 378684 (VCV000378684.1), dbSNP rs971149433, ClinGen allele CA16608858.

ClinVar aggregate classification (germline): Likely benign (1 of 4 stars; one submission).

Allele frequency attached by ClinVar (database versions not stated): gnomAD 0.00001; TOPMed 0.00001; gnomAD exomes 0.00002.
gnomAD v4.1: 23 of 1,063,864 alleles (0.0022%); highest among the groups gnomAD compares: Non-Finnish European, 0.0025%; no homozygotes.

Submission:

GeneDx
Classification: Likely benign. Last evaluated: 2017-06-10. Review status: criteria provided, single submitter. Criteria: GeneDx Variant Classification (06012015). Collection method: clinical testing. Allele origin: germline. Affected: yes.
Comment: This variant is considered likely benign or benign based on one or more of the following criteria: it is a conservative change, it occurs at a poorly conserved position in the protein, it is predicted to be benign by multiple in silico algorithms, and/or has population frequency not consistent with disease.